The following is an entry in ClinVar:

ClinVar aggregate classification (germline): Uncertain significance (1 of 4 stars; one submission).

gnomAD v4.1: 6 of 1,596,932 alleles (0.00038%); highest among the groups gnomAD compares: Admixed American, 0.0052%; no homozygotes.

Submission:

Labcorp Genetics (formerly Invitae), Labcorp
Classification: Uncertain significance. Last evaluated: 2022-04-01. Review status: criteria provided, single submitter. Criteria: Invitae Variant Classification Sherloc (09022015). Collection method: clinical testing. Allele origin: germline.
Comment: This variant has not been reported in the literature in individuals affected with SLC9A3-related conditions. In summary, the available evidence is currently insufficient to determine the role of this variant in disease. Therefore, it has been classified as a Variant of Uncertain Significance. Algorithms developed to predict the effect of missense changes on protein structure and function are either unavailable or do not agree on the potential impact of this missense change (SIFT: "Not Available"; PolyPhen-2: "Benign"; Align-GVGD: "Not Available"). The frequency data for this variant in the population databases is considered unreliable, as metrics indicate poor data quality at this position in the gnomAD database. This sequence change replaces valine, which is neutral and non-polar, with leucine, which is neutral and non-polar, at codon 152 of the SLC9A3 protein (p.Val152Leu).

NM_004174.4(SLC9A3):c.454G>T (p.Val152Leu)

Gene: SLC9A3 (solute carrier family 9 member A3). Cytogenetic location: 5p15.33.
Variant type: single nucleotide variant.
Coding change: c.454G>T on transcript NM_004174.4 (MANE Select); coding-DNA position 454, G replaced by T.
Protein change: p.Val152Leu; replaces valine 152 with leucine.
Molecular consequence: missense variant.
Genome position (GRCh38, 1-based): chr5:491,829, C>A on the plus strand (G>T on the coding strand, the complement: SLC9A3 is on the minus strand). VCF-style: chr5-491829-C-A. GRCh37 (hg19) VCF-style: chr5-491944-C-A.
Other names: c.454G>T, p.Val152Leu (NM_001284351.3); short protein forms V152L.
Identifiers: ClinVar variation 1969792 (VCV001969792.5), dbSNP rs760117543, ClinGen allele CA112859935.
Genomic context (GRCh38, chr5:491,829, plus strand): 5'-CCATGAGCCCACTGAGGAAGACGCCGTAGAGGGACAGCCCGGTGGTGGCCGCGTTCCACA[C>A]GGTACCCACGACGGCGTACAACAGGATGGTCCCCAGGTTGCCGAAGAAGAGGCGGTTGGG-3'
Protein context (NP_004165.2, residues 142-162): TILLYAVVGT[Val152Leu]WNAATTGLSL